The following is an entry in ClinVar:

NM_152296.5(ATP1A3):c.2855C>T (p.Thr952Met)

Gene: ATP1A3 (ATPase Na+/K+ transporting subunit alpha 3; minus strand). Cytogenetic location: 19q13.2.
Variant type: single nucleotide variant.
Coding change: c.2855C>T on transcript NM_152296.5 (MANE Select); coding-DNA position 2855, C replaced by T.
Protein change: p.Thr952Met; replaces threonine 952 with methionine.
Molecular consequence: missense variant.
Genome position (GRCh38, 1-based): chr19:41,967,728, G>A on the plus strand (C>T on the coding strand, the complement: ATP1A3 is on the minus strand). VCF-style: chr19-41967728-G-A. GRCh37 (hg19) VCF-style: chr19-42471880-G-A.
Other names: c.2888C>T, p.Thr963Met (NM_001256213.2); c.2894C>T, p.Thr965Met (NM_001256214.2); c.2855C>T (NM_152296.4); short protein forms T965M, T963M, T952M.
Identifiers: ClinVar variation 3016340 (VCV003016340.4), dbSNP rs2514025388, ClinGen allele CA406035561.

ClinVar aggregate classification (germline): Uncertain significance. Review status: criteria provided, multiple submitters, no conflicts (2 of 4 stars). 2 submissions from 2 submitters: Uncertain significance (2). Last evaluated 2024-10-31.

Conditions:
Dystonia 12 (DYT12). Also called: Rapid-Onset Dystonia-Parkinsonism (RDP); DYT-ATP1A3. Identifiers: Orphanet 71517, MedGen C1868681, MONDO:0007496, OMIM 128235.

Allele frequency attached by ClinVar (database versions not stated): gnomAD exomes below 0.00001.
gnomAD v4.1: 1 of 1,613,986 alleles (0.000062%); highest among the groups gnomAD compares: Non-Finnish European, 0.000085%; no homozygotes.

Submissions (2):

GeneDx
Classification: Uncertain significance. Last evaluated: 2024-10-31. Review status: criteria provided, single submitter. Criteria: GeneDx Variant Classification Process June 2021. Collection method: clinical testing. Allele origin: germline. Affected: yes.
Comment: Not observed at significant frequency in large population cohorts (gnomAD); In silico analysis supports that this missense variant has a deleterious effect on protein structure/function; Has not been previously published as pathogenic or benign to our knowledge

Labcorp Genetics (formerly Invitae), Labcorp
Classification: Uncertain significance for Dystonia 12. Last evaluated: 2024-03-27. Review status: criteria provided, single submitter. Criteria: Invitae Variant Classification Sherloc (09022015). Collection method: clinical testing. Allele origin: germline.
Comment: This sequence change replaces threonine, which is neutral and polar, with methionine, which is neutral and non-polar, at codon 952 of the ATP1A3 protein (p.Thr952Met). This variant is not present in population databases (gnomAD no frequency). This variant has not been reported in the literature in individuals affected with ATP1A3-related conditions. Advanced modeling of protein sequence and biophysical properties (such as structural, functional, and spatial information, amino acid conservation, physicochemical variation, residue mobility, and thermodynamic stability) performed at Invitae indicates that this missense variant is expected to disrupt ATP1A3 protein function with a positive predictive value of 95%. In summary, the available evidence is currently insufficient to determine the role of this variant in disease. Therefore, it has been classified as a Variant of Uncertain Significance.